The following is an entry in ClinVar:

ClinVar aggregate classification (germline): Uncertain significance (1 of 4 stars; one submission).

Allele frequency attached by ClinVar (database versions not stated): gnomAD exomes below 0.00001; ExAC 0.00001; gnomAD 0.00001; TOPMed 0.00001.
gnomAD v4.1: 3 of 1,613,582 alleles (0.00019%); highest among the groups gnomAD compares: African/African-American, 0.004%; no homozygotes.

Submission:

Ambry Genetics
Classification: Uncertain significance. Last evaluated: 2022-06-15. Review status: criteria provided, single submitter. Criteria: Ambry Variant Classification Scheme 2023. Collection method: clinical testing. Allele origin: germline.
Comment: The p.P1395T variant (also known as c.4183C>A), located in coding exon 17 of the NPAT gene, results from a C to A substitution at nucleotide position 4183. The proline at codon 1395 is replaced by threonine, an amino acid with highly similar properties. This amino acid position is conserved. In addition, this alteration is predicted to be tolerated by in silico analysis. Since supporting evidence is limited at this time, the clinical significance of this alteration remains unclear.

NM_002519.3(NPAT):c.4183C>A (p.Pro1395Thr)

Gene: NPAT (nuclear protein, coactivator of histone transcription; minus strand). Cytogenetic location: 11q22.3.
Variant type: single nucleotide variant.
Coding change: c.4183C>A on transcript NM_002519.3 (MANE Select); coding-DNA position 4183, C replaced by A.
Protein change: p.Pro1395Thr; replaces proline 1395 with threonine.
Molecular consequence: missense variant.
Genome position (GRCh38, 1-based): chr11:108,160,903, G>T on the plus strand (C>A on the coding strand, the complement: NPAT is on the minus strand). VCF-style: chr11-108160903-G-T. GRCh37 (hg19) VCF-style: chr11-108031630-G-T.
Other names: c.4204C>A, p.Pro1402Thr (NM_001321307.1); short protein forms P1402T, P1395T.
Identifiers: ClinVar variation 1738517 (VCV001738517.2), dbSNP rs780223594, ClinGen allele CA6263465.
Genomic context (GRCh38, chr11:108,160,903, plus strand): 5'-AAAGGTGTGGTTTTGAAATTAAAACTTTCAAACTTGCCTTAATTTTCTTCTTTTTCATTG[G>T]TATTGATGAATTTGTAAGATTTTTACTAGAAGGACGAGAGTTTCGCTCACGTTCATCTAA-3'
Protein context (NP_002510.2, residues 1385-1405): SSKNLTNSSI[Pro1395Thr]MKKKKIKKKK